The following is an entry in ClinVar:

NM_001130965.3(SUN1):c.16C>A (p.Leu6Ile)

Genes: SUN1 (Sad1 and UNC84 domain containing 1; plus strand), LOC126859921 (P300/CBP strongly-dependent group 1 enhancer GRCh37_chr7:871666-872865; plus strand). Cytogenetic location: 7p22.3.
Variant type: single nucleotide variant.
Coding change: c.16C>A on transcript NM_001130965.3 (MANE Select); coding-DNA position 16, C replaced by A.
Protein change: p.Leu6Ile; replaces leucine 6 with isoleucine.
Molecular consequence: missense variant. On other transcripts: 5 prime UTR variant (1), non-coding transcript variant (3), intron variant (30).
Genome position (GRCh38, 1-based): chr7:832,540, C>A. VCF-style: chr7-832540-C-A. GRCh37 (hg19) VCF-style: chr7-872177-C-A.
Other names: c.16C>A, p.Leu6Ile (NM_001171944.2, NM_001171946.2, NM_001367633.1 and 35 more transcripts); c.79C>A, p.Leu27Ile (NM_001171945.2); c.-442C>A (NM_001367635.1); c.297-6258C>A (NM_001367651.1); c.-73-6258C>A (NM_001367666.1, NM_001367655.1, NM_001367691.1 and 24 more transcripts); c.-684-6258C>A (NM_001367658.1); c.-301-9406C>A (NM_001367639.1); short protein forms L6I, L27I.
Identifiers: ClinVar variation 572823 (VCV000572823.9), dbSNP rs777969470, ClinGen allele CA4111355.

ClinVar aggregate classification (germline): Uncertain significance (1 of 4 stars; one submission).

Conditions:
Emery-Dreifuss muscular dystrophy (EDMD). Also called: Scapuloperoneal syndrome, X-linked (formerly); Humeroperoneal neuromuscular disease, (formerly). Identifiers: Orphanet 261, MedGen C0410189, MONDO:0016830.

Allele frequency attached by ClinVar (database versions not stated): ExAC below 0.00001; gnomAD 0.00001; gnomAD exomes 0.00001; TOPMed 0.00001.
gnomAD v4.1: 16 of 1,613,326 alleles (0.00099%); highest among the groups gnomAD compares: Admixed American, 0.0017%; no homozygotes.

Submission:

Labcorp Genetics (formerly Invitae), Labcorp
Classification: Uncertain significance for Emery-Dreifuss muscular dystrophy. Last evaluated: 2022-06-27. Review status: criteria provided, single submitter. Criteria: Invitae Variant Classification Sherloc (09022015). Collection method: clinical testing. Allele origin: germline.
Comment: ClinVar contains an entry for this variant (Variation ID: 572823). This variant has not been reported in the literature in individuals affected with SUN1-related conditions. This variant is present in population databases (rs777969470, gnomAD 0.003%). This sequence change replaces leucine, which is neutral and non-polar, with isoleucine, which is neutral and non-polar, at codon 6 of the SUN1 protein (p.Leu6Ile). Algorithms developed to predict the effect of missense changes on protein structure and function are either unavailable or do not agree on the potential impact of this missense change (SIFT: "Deleterious"; PolyPhen-2: "Probably Damaging"; Align-GVGD: "Class C0"). In summary, the available evidence is currently insufficient to determine the role of this variant in disease. Therefore, it has been classified as a Variant of Uncertain Significance.